The following is an entry in ClinVar:

ClinVar aggregate classification (germline): Uncertain significance (1 of 4 stars; one submission).

Submission:

Labcorp Genetics (formerly Invitae), Labcorp
Classification: Uncertain significance. Last evaluated: 2024-12-15. Review status: criteria provided, single submitter. Criteria: Invitae Variant Classification Sherloc (09022015). Collection method: clinical testing. Allele origin: germline.
Comment: This sequence change replaces aspartic acid, which is acidic and polar, with alanine, which is neutral and non-polar, at codon 439 of the COMP protein (p.Asp439Ala). This variant is not present in population databases (gnomAD no frequency). This missense change has been observed in individual(s) with clinical features of COMP-related conditions (internal data). Invitae Evidence Modeling of protein sequence and biophysical properties (such as structural, functional, and spatial information, amino acid conservation, physicochemical variation, residue mobility, and thermodynamic stability) indicates that this missense variant is expected to disrupt COMP protein function with a positive predictive value of 80%. This variant disrupts the p.Asp439 amino acid residue in COMP. Other variant(s) that disrupt this residue have been determined to be pathogenic (PMID: 24595329, 33748277, 34709441; internal data). This suggests that this residue is clinically significant, and that variants that disrupt this residue are likely to be disease-causing. In summary, the available evidence is currently insufficient to determine the role of this variant in disease. Therefore, it has been classified as a Variant of Uncertain Significance.

Literature cited by the submitters: PubMed 24595329; PubMed 33748277; PubMed 34709441.

NM_000095.3(COMP):c.1316A>C (p.Asp439Ala)

Gene: COMP (cartilage oligomeric matrix protein; minus strand). Cytogenetic location: 19p13.11.
Variant type: single nucleotide variant.
Coding change: c.1316A>C on transcript NM_000095.3 (MANE Select); coding-DNA position 1316, A replaced by C.
Protein change: p.Asp439Ala; replaces aspartic acid 439 with alanine.
Molecular consequence: missense variant.
Genome position (GRCh38, 1-based): chr19:18,786,138, T>G on the plus strand (A>C on the coding strand, the complement: COMP is on the minus strand). VCF-style: chr19-18786138-T-G. GRCh37 (hg19) VCF-style: chr19-18896948-T-G.
Other names: short protein forms D439A.
Identifiers: ClinVar variation 3719608 (VCV003719608.2).